The following is an entry in ClinVar:

ClinVar aggregate classification (germline): Uncertain significance (1 of 4 stars; one submission).

Conditions:
Cardiovascular phenotype. Identifiers: MedGen CN230736.

gnomAD v4.1: 2 of 1,589,846 alleles (0.00013%); highest among the groups gnomAD compares: Admixed American, 0.0018%; no homozygotes.

Submission:

Ambry Genetics
Classification: Uncertain significance for Cardiovascular phenotype. Last evaluated: 2025-12-26. Review status: criteria provided, single submitter. Criteria: Ambry Variant Classification Scheme 2023. Collection method: clinical testing. Allele origin: germline.
Comment: The p.A1382E variant (also known as c.4145C>A), located in coding exon 6 of the ALPK3 gene, results from a C to A substitution at nucleotide position 4145. The alanine at codon 1382 is replaced by glutamic acid, an amino acid with dissimilar properties. This amino acid position is conserved. In addition, this alteration is predicted to be tolerated by in silico analysis. Based on the available evidence, the clinical significance of this variant remains unclear.

NM_020778.5(ALPK3):c.3539C>A (p.Ala1180Glu)

Gene: ALPK3 (alpha kinase 3; plus strand). Cytogenetic location: 15q25.3.
Variant type: single nucleotide variant.
Coding change: c.3539C>A on transcript NM_020778.5 (MANE Select); coding-DNA position 3539, C replaced by A.
Protein change: p.Ala1180Glu; replaces alanine 1180 with glutamic acid.
Molecular consequence: missense variant.
Genome position (GRCh38, 1-based): chr15:84,858,277, C>A. VCF-style: chr15-84858277-C-A. GRCh37 (hg19) VCF-style: chr15-85401508-C-A.
Other names: short protein forms A1180E.
Identifiers: ClinVar variation 4841949 (VCV004841949.1).